The following is an entry in ClinVar:

ClinVar aggregate classification (germline): Likely pathogenic (0 of 4 stars; one submission).

Conditions:
GRN-related disorder. Also called: GRN-related condition; GRN-related disorders.

Submission:

PreventionGenetics, part of Exact Sciences
Classification: Likely pathogenic for GRN-related condition. Last evaluated: 2024-02-13. Review status: no assertion criteria provided. Collection method: clinical testing. Allele origin: germline.
Comment: The GRN c.900_901dupGT variant is predicted to result in a frameshift and premature protein termination (p.Ser301Cysfs*61). This variant was reported in an individual with corticobasal degeneration syndrome and in an individual with behavioural-variant frontotemporal dementia (Almeida et al. 2013. PubMed ID: 24022032). This variant has not been reported in a large population database, indicating this variant is rare. Frameshift variants in GRN are expected to be pathogenic and protein-truncating variants upstream and downstream of this variant have been previously reported (HGMD, ClinVar). This variant is interpreted as likely pathogenic.

NM_002087.4(GRN):c.900_901dup (p.Ser301fs)

Gene: GRN (granulin precursor; plus strand). Cytogenetic location: 17q21.31.
Variant type: Duplication.
Coding change: c.900_901dup on transcript NM_002087.4 (MANE Select); coding-DNA positions 900 to 901, 2 bases duplicated (GT; older notation c.900_901dupGT).
Protein change: p.Ser301fs; shifts the reading frame from serine 301.
Molecular consequence: frameshift variant.
Genome position (GRCh38, 1-based): chr17:44,351,427-44,351,428, GT duplicated. VCF-style (leftmost placement, unchanged base first): chr17-44351426-A-AGT. GRCh37 (hg19) VCF-style: chr17-42428794-A-AGT.
Other names: short protein forms S301fs.
Identifiers: ClinVar variation 3031059 (VCV003031059.2), dbSNP rs2048372980, ClinGen allele CA2261354150.
Genomic context (GRCh38, chr17:44,351,426, plus strand): 5'-GGGATGTGAAATGTGACATGGAGGTGAGCTGCCCAGATGGCTATACCTGCTGCCGTCTAC[A>AGT]GTCGGGGGCCTGGGGCTGCTGCCCTTTTACCCAGGTACCCAGGGGTGGCGGGTGGGTGGG-3'